The following is an entry in ClinVar:

NM_002471.4(MYH6):c.3106-4A>T

Gene: MYH6 (myosin heavy chain 6; minus strand). Cytogenetic location: 14q11.2.
Variant type: single nucleotide variant.
Coding change: c.3106-4A>T on transcript NM_002471.4 (MANE Select); 4 bases into the intron before coding-DNA position 3106, A replaced by T.
Molecular consequence: intron variant.
Genome position (GRCh38, 1-based): chr14:23,393,061, T>A on the plus strand (A>T on the coding strand, the complement: MYH6 is on the minus strand). VCF-style: chr14-23393061-T-A. GRCh37 (hg19) VCF-style: chr14-23862270-T-A.
Identifiers: ClinVar variation 1727688 (VCV001727688.2), dbSNP rs2502167917, ClinGen allele CA2580087921.
Genomic context (GRCh38, chr14:23,393,061, plus strand): 5'-CTTTGCTCGCTCCAGGTCCATGCGCACCTTCTTCTCTTGCTCTAGGGATCCCTCCAGCTG[T>A]TGGAGGGAAGAAAATAAGCAAAGTGTGGAAAACATGAAATCCATAGTGTATGCTCTTTTG-3'

ClinVar aggregate classification (germline): Uncertain significance (1 of 4 stars; one submission).

Conditions:
Cardiovascular phenotype. Identifiers: MedGen CN230736.

Allele frequency attached by ClinVar (database versions not stated): gnomAD exomes below 0.00001.
gnomAD v4.1: 2 of 1,614,110 alleles (0.00012%); highest among the groups gnomAD compares: Non-Finnish European, 0.000085%; no homozygotes.

Submission:

Ambry Genetics
Classification: Uncertain significance for Cardiovascular phenotype. Last evaluated: 2019-06-27. Review status: criteria provided, single submitter. Criteria: Ambry Variant Classification Scheme 2023. Collection method: clinical testing. Allele origin: germline.
Comment: The c.3106-4A>T intronic variant results from an A to T substitution 4 nucleotides upstream from coding exon 22 in the MYH6 gene. This nucleotide position is poorly conserved in available vertebrate species. Using the BDGP and ESEfinder splice site prediction tools, this alteration is not predicted to have any significant effect on this splice acceptor site; however, direct evidence is unavailable. Since supporting evidence is limited at this time, the clinical significance of this alteration remains unclear.